The following is an entry in ClinVar:

NM_001999.4(FBN2):c.8365-4C>T

Gene: FBN2 (fibrillin 2; minus strand). Cytogenetic location: 5q23.3.
Variant type: single nucleotide variant.
Coding change: c.8365-4C>T on transcript NM_001999.4 (MANE Select); 4 bases into the intron before coding-DNA position 8365, C replaced by T.
Molecular consequence: intron variant.
Genome position (GRCh38, 1-based): chr5:128,259,833, G>A on the plus strand (C>T on the coding strand, the complement: FBN2 is on the minus strand). VCF-style: chr5-128259833-G-A. GRCh37 (hg19) VCF-style: chr5-127595525-G-A.
Identifiers: ClinVar variation 3896000 (VCV003896000.1).

ClinVar aggregate classification (germline): Uncertain significance (1 of 4 stars; one submission).

Submission:

Women's Health and Genetics/Laboratory Corporation of America, LabCorp
Classification: Uncertain significance. Last evaluated: 2025-03-24. Review status: criteria provided, single submitter. Criteria: LabCorp Variant Classification Summary - May 2015. Collection method: clinical testing. Allele origin: germline.
Comment: Variant summary: FBN2 c.8365-4C>T alters a nucleotide located close to a canonical splice site and therefore could affect mRNA splicing, leading to a significantly altered protein sequence. Consensus agreement among computation tools predict no significant impact on normal splicing. However, these predictions have yet to be confirmed by functional studies. The variant was absent in 250760 control chromosomes. The available data on variant occurrences in the general population are insufficient to allow any conclusion about variant significance. To our knowledge, no occurrence of c.8365-4C>T in individuals affected with Nonsyndromic Heritable Thoracic Aortic Aneurysms And Dissections and no experimental evidence demonstrating its impact on protein function have been reported. No submitters have cited clinical-significance assessments for this variant to ClinVar. Based on the evidence outlined above, the variant was classified as uncertain significance.